The following is an entry in ClinVar:

NM_019842.4(KCNQ5):c.2455_2460del (p.Cys819_Pro820del)

Gene: KCNQ5 (potassium voltage-gated channel subfamily Q member 5; plus strand). Cytogenetic location: 6q13.
Variant type: Deletion.
Coding change: c.2455_2460del on transcript NM_019842.4 (MANE Select); coding-DNA positions 2455 to 2460, 6 bases deleted (TGTCCC; older notation c.2455_2460delTGTCCC).
Protein change: p.Cys819_Pro820del.
Molecular consequence: inframe deletion.
Genome position (GRCh38, 1-based): chr6:73,195,070-73,195,075, TGTCCC deleted; deleting any 6 consecutive bases within chr6:73,195,069-73,195,075 gives the same sequence; the c. name uses the placement nearest the transcript's 3' end. VCF-style (leftmost placement, unchanged base first): chr6-73195068-TCTGTCC-T. GRCh37 (hg19) VCF-style: chr6-73904791-TCTGTCC-T.
Other names: c.2512_2517del (NM_001160133.1); c.2428_2433del, p.Cys810_Pro811del (NM_001160130.2); c.2485_2490del, p.Cys829_Pro830del (NM_001160132.2); c.2512_2517del, p.Cys838_Pro839del (NM_001160133.2); c.2125_2130del, p.Cys709_Pro710del (NM_001160134.2).
Identifiers: ClinVar variation 1997004 (VCV001997004.5), dbSNP rs2533932376, ClinGen allele CA2580075751.

ClinVar aggregate classification (germline): Uncertain significance. Review status: criteria provided, multiple submitters, no conflicts (2 of 4 stars). 2 submissions from 2 submitters: Uncertain significance (2). Last evaluated 2024-09-20.

Submissions (2):

GeneDx
Classification: Uncertain significance. Last evaluated: 2024-09-20. Review status: criteria provided, single submitter. Criteria: GeneDx Variant Classification Process June 2021. Collection method: clinical testing. Allele origin: germline. Affected: yes.
Comment: Not observed at significant frequency in large population cohorts (gnomAD); In-frame deletion of 2 amino acids in a non-repeat region; In silico analysis indicates that this variant does not alter protein structure/function; Has not been previously published as pathogenic or benign to our knowledge

Labcorp Genetics (formerly Invitae), Labcorp
Classification: Uncertain significance. Last evaluated: 2022-05-20. Review status: criteria provided, single submitter. Criteria: Invitae Variant Classification Sherloc (09022015). Collection method: clinical testing. Allele origin: germline.
Comment: In summary, the available evidence is currently insufficient to determine the role of this variant in disease. Therefore, it has been classified as a Variant of Uncertain Significance. Experimental studies and prediction algorithms are not available or were not evaluated, and the functional significance of this variant is currently unknown. This variant has not been reported in the literature in individuals affected with KCNQ5-related conditions. This variant is not present in population databases (gnomAD no frequency). This variant, c.2512_2517del, results in the deletion of 2 amino acid(s) of the KCNQ5 protein (p.Cys838_Pro839del), but otherwise preserves the integrity of the reading frame.